The following is an entry in ClinVar:

NM_000368.5(TSC1):c.3424C>T (p.Pro1142Ser)

Gene: TSC1 (TSC complex subunit 1; minus strand). Cytogenetic location: 9q34.13.
Variant type: single nucleotide variant.
Coding change: c.3424C>T on transcript NM_000368.5 (MANE Select); coding-DNA position 3424, C replaced by T.
Protein change: p.Pro1142Ser; replaces proline 1142 with serine.
Molecular consequence: missense variant.
Genome position (GRCh38, 1-based): chr9:132,896,306, G>A on the plus strand (C>T on the coding strand, the complement: TSC1 is on the minus strand). VCF-style: chr9-132896306-G-A. GRCh37 (hg19) VCF-style: chr9-135771693-G-A.
Other names: c.3421C>T, p.Pro1141Ser (NM_001162426.2); c.3271C>T, p.Pro1091Ser (NM_001162427.2); c.3061C>T, p.Pro1021Ser (NM_001362177.2); short protein forms P1021S, P1091S, P1142S, P1141S.
Identifiers: ClinVar variation 651639 (VCV000651639.11), dbSNP rs1060503227, ClinGen allele CA375366402.

ClinVar aggregate classification (germline): Conflicting classifications of pathogenicity. Review status: criteria provided, conflicting classifications (1 of 4 stars). 4 submissions from 4 submitters: Uncertain significance (2); Benign (1); Likely benign (1). Last evaluated 2025-10-18.

Conditions:
Hereditary cancer-predisposing syndrome. Also called: Hereditary Cancer Syndrome; Tumor predisposition; Neoplastic Syndromes, Hereditary; Hereditary neoplastic syndrome. Identifiers: Orphanet 140162, MedGen C0027672, MeSH D009386, MONDO:0015356.
Lymphangiomyomatosis (LAM). Also called: Lymphangioleiomyomatosis; Lymphangioleiomyomatosis, somatic. Identifiers: Orphanet 538, MedGen C0751674, MONDO:0011705, OMIM 606690.
Isolated focal cortical dysplasia type II (FCORD2). Also called: Focal cortical dysplasia type II; CORTICAL DYSPLASIA OF TAYLOR. Identifiers: Orphanet 268994, MedGen C1846385, MONDO:0011818, OMIM 607341, HP:0032051.
Tuberous sclerosis 1 (TSC1). Identifiers: Orphanet 805, MedGen C1854465, MONDO:0008612, OMIM 191100.
Tuberous sclerosis syndrome (TSC). Also called: Tuberous sclerosis; Tuberous Sclerosis Complex. Identifiers: Orphanet 805, MedGen C0041341, MONDO:0001734.

Allele frequency attached by ClinVar (database versions not stated): gnomAD exomes 0.00001.
gnomAD v4.1: 4 of 1,614,192 alleles (0.00025%); highest among the groups gnomAD compares: Admixed American, 0.0017%; no homozygotes.

Submissions (4):

Labcorp Genetics (formerly Invitae), Labcorp
Classification: Benign for Tuberous sclerosis 1. Last evaluated: 2025-10-18. Review status: criteria provided, single submitter. Criteria: Invitae Variant Classification Sherloc (09022015). Collection method: clinical testing. Allele origin: germline.

Fulgent Genetics
Classification: Uncertain significance for Tuberous sclerosis 1; Lymphangiomyomatosis; Isolated focal cortical dysplasia type II. Last evaluated: 2024-04-02. Review status: criteria provided, single submitter. Criteria: ACMG Guidelines, 2015. Collection method: clinical testing. Allele origin: germline.

Ambry Genetics
Classification: Likely benign for Hereditary cancer-predisposing syndrome. Last evaluated: 2024-02-01. Review status: criteria provided, single submitter. Criteria: Ambry Variant Classification Scheme 2023. Collection method: clinical testing. Allele origin: germline.

All of Us Research Program, National Institutes of Health
Classification: Uncertain significance for Tuberous sclerosis syndrome. Last evaluated: 2023-08-28. Review status: criteria provided, single submitter. Criteria: ACMG Guidelines, 2015. Collection method: clinical testing. Allele origin: germline. Inheritance: Autosomal dominant inheritance. Observed: 1 variant allele, 1 heterozygote.
Comment: This missense variant replaces proline with serine at codon 1142 of the TSC1 protein. Computational prediction suggests that this variant may not impact protein structure and function (internally defined REVEL score threshold <= 0.5, PMID: 27666373). To our knowledge, functional studies have not been reported for this variant. This variant has not been reported in individuals affected with TSC1-related disorders in the literature. This variant has been identified in 2/251380 chromosomes in the general population by the Genome Aggregation Database (gnomAD). The available evidence is insufficient to determine the role of this variant in disease conclusively. Therefore, this variant is classified as a Variant of Uncertain Significance.

This study involves interpretation of variants in research participants for the purpose of population health screening. Participant phenotype was not available at the time of variant classification. Additional details can be found in publication PMID: 35346344, PMCID: PMC8962531